The following is an entry in ClinVar:

NM_014243.3(ADAMTS3):c.1242G>A (p.Arg414=)

Gene: ADAMTS3 (ADAM metallopeptidase with thrombospondin type 1 motif 3; minus strand). Cytogenetic location: 4q13.3.
Variant type: single nucleotide variant.
Coding change: c.1242G>A on transcript NM_014243.3 (MANE Select); coding-DNA position 1242, G replaced by A.
Protein change: p.Arg414=; no amino-acid change (arginine 414 retained).
Molecular consequence: synonymous variant.
Genome position (GRCh38, 1-based): chr4:72,319,442, C>T on the plus strand (G>A on the coding strand, the complement: ADAMTS3 is on the minus strand). VCF-style: chr4-72319442-C-T. GRCh37 (hg19) VCF-style: chr4-73185159-C-T.
Identifiers: ClinVar variation 3043969 (VCV003043969.3), dbSNP rs201105948, ClinGen allele CA2957013.

ClinVar aggregate classification (germline): Likely benign. Review status: criteria provided, single submitter (1 of 4 stars). 2 submissions from 2 submitters: Likely benign (1). 1 of the submissions does not count toward it. Last evaluated 2024-05-24.

Conditions:
ADAMTS3-related disorder. Also called: ADAMTS3-related condition.

Allele frequency attached by ClinVar (database versions not stated): ESP Exome Variant Server 0.00008; ExAC 0.00015; gnomAD 0.00015; 1000 Genomes Project 0.00100; 1000 Genomes Project 30x 0.00109.
gnomAD v4.1: 125 of 1,613,878 alleles (0.0077%); highest among the groups gnomAD compares: East Asian, 0.15%; no homozygotes.

Submissions (2):

Blueprint Genetics
Classification: Likely benign. Last evaluated: 2024-05-24. Review status: criteria provided, single submitter. Criteria: ACMG Guidelines, 2015. Collection method: clinical testing. Allele origin: germline.

PreventionGenetics, part of Exact Sciences
Classification: Likely benign for ADAMTS3-related condition. Last evaluated: 2019-03-26. Review status: no assertion criteria provided. Collection method: clinical testing. Allele origin: germline. Not counted in ClinVar's aggregate classification.
Comment: This variant is classified as likely benign based on ACMG/AMP sequence variant interpretation guidelines (Richards et al. 2015 PMID: 25741868, with internal and published modifications).